The following is an entry in ClinVar:

ClinVar aggregate classification (germline): Uncertain significance (1 of 4 stars; one submission).

Conditions:
Hereditary hemorrhagic telangiectasia (HHT). Also called: ORW DISEASE; Osler Weber Rendu syndrome; OSLER-RENDU-WEBER DISEASE; Osler hemorrhagic telangiectasia syndrome. Identifiers: Orphanet 774, MedGen C0039445, MONDO:0019180. Disease mechanism: loss of function.

Submission:

Labcorp Genetics (formerly Invitae), Labcorp
Classification: Uncertain significance for Hereditary hemorrhagic telangiectasia. Last evaluated: 2024-08-06. Review status: criteria provided, single submitter. Criteria: Invitae Variant Classification Sherloc (09022015). Collection method: clinical testing. Allele origin: germline.
Comment: This sequence change falls in intron 8 of the ENG gene. It does not directly change the encoded amino acid sequence of the ENG protein. It affects a nucleotide within the consensus splice site. This variant is not present in population databases (gnomAD no frequency). This variant has been observed in individual(s) with hereditary hemorrhagic telangiectasia (Invitae). Variants that disrupt the consensus splice site are a relatively common cause of aberrant splicing (PMID: 17576681, 9536098). Algorithms developed to predict the effect of sequence changes on RNA splicing suggest that this variant may disrupt the consensus splice site. In summary, the available evidence is currently insufficient to determine the role of this variant in disease. Therefore, it has been classified as a Variant of Uncertain Significance.

Literature cited by the submitters: PubMed 17576681; PubMed 9536098.

NM_001114753.3(ENG):c.1134+2dup

Gene: ENG (endoglin; minus strand). Cytogenetic location: 9q34.11.
Variant type: Duplication.
Coding change: c.1134+2dup on transcript NM_001114753.3 (MANE Select); the canonical splice donor site of the intron after coding-DNA position 1134, one base duplicated (T; older notation c.1134+2dupT).
Molecular consequence: splice donor variant. On other transcripts: frameshift variant (1).
Genome position (GRCh38, 1-based): chr9:127,824,302, A duplicated on the plus strand (T on the coding strand, the reverse complement: ENG is on the minus strand). VCF-style (leftmost placement, unchanged base first): chr9-127824301-T-TA. GRCh37 (hg19) VCF-style: chr9-130586580-T-TA.
Other names: c.1136dup, p.Arg380fs (NM_001406715.1); c.1134+2dup (NM_000118.4); c.588+2dup (NM_001278138.2); short protein forms R380fs.
Identifiers: ClinVar variation 3661548 (VCV003661548.2).